The following is an entry in ClinVar:

NM_000709.4(BCKDHA):c.782TCT[2] (p.Phe263del)

Gene: BCKDHA (branched chain keto acid dehydrogenase E1 subunit alpha; plus strand). Cytogenetic location: 19q13.2.
Variant type: Microsatellite.
Coding change: c.782TCT[2] on transcript NM_000709.4 (MANE Select); two copies in a row of the 3-base unit TCT starting at c.782; the reference has three copies in a row; one copy, 3 bases deleted.
Protein change: p.Phe263del; deletes phenylalanine 263.
Molecular consequence: inframe deletion.
Genome position (GRCh38, 1-based): chr19:41,422,305-41,422,307, TCT deleted; deleting any 3 consecutive bases within chr19:41,422,299-41,422,307 gives the same sequence; the position shown is the placement nearest the transcript's 3' end. VCF-style (leftmost placement, unchanged base first): chr19-41422298-ATCT-A. GRCh37 (hg19) VCF-style: chr19-41928203-ATCT-A.
Other names: c.782TCT[2], p.Phe263del (NM_001164783.2); c.788_790delTCT (NM_000709.4); short protein forms F263del.
Identifiers: ClinVar variation 93372 (VCV000093372.17), dbSNP rs398123505, ClinGen allele CA221215.

ClinVar aggregate classification (germline): Conflicting classifications of pathogenicity. Review status: criteria provided, conflicting classifications (1 of 4 stars). 6 submissions from 6 submitters: Likely pathogenic (1); Uncertain significance (4). 1 of the submissions does not count toward it. Last evaluated 2026-05-04.

Conditions:
Maple syrup urine disease type 1A (MSUD1A). Also called: MSUD type 1A. Identifiers: MedGen C1855369, MONDO:0023691, OMIM 248600.
Maple syrup urine disease (MSUD). Identifiers: Orphanet 511, MedGen C0024776, MeSH D008375, MONDO:0009563. Disease mechanism: loss of function.

Submissions (6):

Myriad Genetics, Inc.
Classification: Uncertain significance for Maple syrup urine disease type 1A. Last evaluated: 2026-05-04. Review status: criteria provided, single submitter. Criteria: Myriad Autosomal Dominant, Autosomal Recessive and X-Linked Classification Criteria (2023). Collection method: clinical testing. Allele origin: unknown.
Comment: NM_000709.3(BCKDHA):c.788_790delTCT(F263del) is an in-frame deletion classified as a variant of uncertain significance in the context of maple syrup urine disease type Ia. F263del has been observed in a case with relevant disease (PMID: 39347258). Relevant functional assessments of this variant are not available in the literature. F263del has been observed in referenced population frequency databases. In summary, there is insufficient evidence to classify NM_000709.3(BCKDHA):c.788_790delTCT(F263del) as pathogenic or benign. Please note: this variant was assessed in the context of healthy population screening.

Labcorp Genetics (formerly Invitae), Labcorp
Classification: Uncertain significance for Maple syrup urine disease. Last evaluated: 2025-05-19. Review status: criteria provided, single submitter. Criteria: Invitae Variant Classification Sherloc (09022015). Collection method: clinical testing. Allele origin: germline.
Comment: This variant, c.788_790del, results in the deletion of 1 amino acid(s) of the BCKDHA protein (p.Phe263del), but otherwise preserves the integrity of the reading frame. This variant is present in population databases (rs766791580, gnomAD 0.02%). This variant has been observed in individual(s) with maple syrup urine disease (internal data). In at least one individual the data is consistent with being in trans (on the opposite chromosome) from a pathogenic variant. Experimental studies and prediction algorithms are not available or were not evaluated, and the functional significance of this variant is currently unknown. In summary, the available evidence is currently insufficient to determine the role of this variant in disease. Therefore, it has been classified as a Variant of Uncertain Significance.

GeneDx
Classification: Likely pathogenic. Last evaluated: 2025-01-08. Review status: criteria provided, single submitter. Criteria: GeneDx Variant Classification Process June 2021. Collection method: clinical testing. Allele origin: germline. Affected: yes.
Comment: Identified in a patient with maple syrup urine disease and type I diabetes mellitus in the published literature, however a second variant was not identified (PMID: 39347258); In-frame deletion of 1 amino acids in a non-repeat region; In silico analysis supports a deleterious effect on protein structure/function; This variant is associated with the following publications: (PMID: 39347258)

Department of Genetics, Sultan Qaboos University Hospital
Classification: Uncertain significance for Maple syrup urine disease type 1A. Last evaluated: 2024-06-12. Review status: criteria provided, single submitter. Criteria: ACMG Guidelines, 2015. Collection method: clinical testing. Allele origin: unknown. Affected: yes.

Eurofins Ntd Llc (ga)
Classification: Uncertain significance. Last evaluated: 2013-04-18. Review status: criteria provided, single submitter. Criteria: EGL Classification Definitions 2015. Collection method: clinical testing. Allele origin: germline. Observed: 2 variant alleles, 2 heterozygotes.

Natera, Inc.
Classification: Uncertain significance for Maple syrup urine disease type 1A. Last evaluated: 2020-09-16. Review status: no assertion criteria provided. Collection method: clinical testing. Allele origin: germline. Not counted in ClinVar's aggregate classification.

Literature cited by the submitters: PubMed 39347258 (cited by Myriad Genetics, Inc.).